The following is an entry in ClinVar:

NM_032043.3(BRIP1):c.2553T>G (p.Asn851Lys)

Gene: BRIP1 (BRCA1 interacting DNA helicase 1; minus strand). Cytogenetic location: 17q23.2.
Variant type: single nucleotide variant.
Coding change: c.2553T>G on transcript NM_032043.3 (MANE Select); coding-DNA position 2553, T replaced by G.
Protein change: p.Asn851Lys; replaces asparagine 851 with lysine.
Molecular consequence: missense variant.
Genome position (GRCh38, 1-based): chr17:61,693,452, A>C on the plus strand (T>G on the coding strand, the complement: BRIP1 is on the minus strand). VCF-style: chr17-61693452-A-C. GRCh37 (hg19) VCF-style: chr17-59770813-A-C.
Other names: short protein forms N851K.
Identifiers: ClinVar variation 141495 (VCV000141495.8), dbSNP rs587781793, ClinGen allele CA165618.

ClinVar aggregate classification (germline): Uncertain significance. Review status: criteria provided, multiple submitters, no conflicts (2 of 4 stars). 2 submissions from 2 submitters: Uncertain significance (2). Last evaluated 2023-04-13.

Conditions:
Familial cancer of breast. Also called: Hereditary breast cancer; hereditary breast carcinoma; BREAST CANCER, FAMILIAL. Identifiers: Orphanet 227535, MedGen C0346153, MONDO:0016419, OMIM 114480. Disease mechanism: loss of function.
Fanconi anemia complementation group J. Also called: BRIP1-Related Fanconi Anemia. Identifiers: Orphanet 84, MedGen C1836860, MONDO:0012187, OMIM 609054.
Hereditary cancer-predisposing syndrome. Also called: Neoplastic Syndromes, Hereditary; Hereditary Cancer Syndrome; Hereditary neoplastic syndrome; Tumor predisposition. Identifiers: Orphanet 140162, MedGen C0027672, MeSH D009386, MONDO:0015356.

Submissions (2):

Labcorp Genetics (formerly Invitae), Labcorp
Classification: Uncertain significance for Familial cancer of breast; Fanconi anemia complementation group J. Last evaluated: 2023-04-13. Review status: criteria provided, single submitter. Criteria: Invitae Variant Classification Sherloc (09022015). Collection method: clinical testing. Allele origin: germline.
Comment: In summary, the available evidence is currently insufficient to determine the role of this variant in disease. Therefore, it has been classified as a Variant of Uncertain Significance. This sequence change replaces asparagine, which is neutral and polar, with lysine, which is basic and polar, at codon 851 of the BRIP1 protein (p.Asn851Lys). This variant is not present in population databases (gnomAD no frequency). This variant has not been reported in the literature in individuals affected with BRIP1-related conditions. ClinVar contains an entry for this variant (Variation ID: 141495). Advanced modeling of protein sequence and biophysical properties (such as structural, functional, and spatial information, amino acid conservation, physicochemical variation, residue mobility, and thermodynamic stability) performed at Invitae indicates that this missense variant is not expected to disrupt BRIP1 protein function. RNA analysis performed to evaluate the impact of this missense change on mRNA splicing indicates it does not significantly alter splicing (Invitae).

Ambry Genetics
Classification: Uncertain significance for Hereditary cancer-predisposing syndrome. Last evaluated: 2017-10-10. Review status: criteria provided, single submitter. Criteria: Ambry Variant Classification Scheme 2023. Collection method: clinical testing. Allele origin: germline.
Comment: The p.N851K variant (also known as c.2553T>G), located in coding exon 17 of the BRIP1 gene, results from a T to G substitution at nucleotide position 2553. The asparagine at codon 851 is replaced by lysine, an amino acid with similar properties. This amino acid position is poorly conserved in available vertebrate species. In addition, this alteration is predicted to be tolerated by in silico analysis. Since supporting evidence is limited at this time, the clinical significance of this alteration remains unclear.